The following is an entry in ClinVar:

NM_001267550.2(TTN):c.69117T>A (p.Asp23039Glu)

Genes: TTN (titin; minus strand), TTN-AS1 (TTN antisense RNA 1; plus strand). Cytogenetic location: 2q31.2.
Variant type: single nucleotide variant.
Coding change: c.69117T>A on transcript NM_001267550.2 (MANE Select); coding-DNA position 69117, T replaced by A.
Protein change: p.Asp23039Glu; replaces aspartic acid 23039 with glutamic acid.
Molecular consequence: missense variant.
Genome position (GRCh38, 1-based): chr2:178,577,218, A>T on the plus strand (T>A on the coding strand, the complement: TTN is on the minus strand). VCF-style: chr2-178577218-A-T. GRCh37 (hg19) VCF-style: chr2-179441945-A-T.
Other names: p.D21398E:GAT>GAA; c.64194T>A, p.Asp21398Glu (NM_001256850.1); c.61413T>A, p.Asp20471Glu (NM_133378.4); c.41922T>A, p.Asp13974Glu (NM_003319.4); c.42297T>A, p.Asp14099Glu (NM_133432.3); c.42498T>A, p.Asp14166Glu (NM_133437.4); short protein forms D20471E, D23039E, D21398E, D13974E, D14166E, D14099E.
Identifiers: ClinVar variation 165865 (VCV000165865.6), dbSNP rs727503572, ClinGen allele CA178549.

ClinVar aggregate classification (germline): Uncertain significance. Review status: criteria provided, multiple submitters, no conflicts (2 of 4 stars). 2 submissions from 2 submitters: Uncertain significance (2). Last evaluated 2016-06-14.

Allele frequency attached by ClinVar (database versions not stated): gnomAD exomes below 0.00001.
gnomAD v4.1: 6 of 1,613,000 alleles (0.00037%); highest among the groups gnomAD compares: South Asian, 0.0011%; no homozygotes.

Submissions (2):

GeneDx
Classification: Uncertain significance. Last evaluated: 2016-06-14. Review status: criteria provided, single submitter. Criteria: GeneDx Variant Classification (06012015). Collection method: clinical testing. Allele origin: germline. Affected: yes.
Comment: The Asp21398Glu variant in the TTN gene has not been reported as a disease-causing mutation or as a benign polymorphism, to our knowledge. Asp21398Glu results in a conservative amino acid substitution of one negatively charged amino acid for another. It is located in the A-band region of titin. The majority of mutations in the TTN gene are truncating mutations and these are located in the A-band region of titin (Herman D et al., 2012). The variant is found in TTN panel(s).

Laboratory for Molecular Medicine, Mass General Brigham Personalized Medicine
Classification: Uncertain significance. Last evaluated: 2013-04-09. Review status: criteria provided, single submitter. Criteria: LMM Criteria. Collection method: clinical testing. Allele origin: germline. Observed: 2 variant alleles.
Comment: This variant has not been identified in large European American and African American populations by the NHLBI Exome Sequencing Project, though it may be present in other populations. Computational analyses (biochemical amino acid properties, conservation, AlignGVGD, PolyPhen2, and SIFT) do not provide strong support for or against an impact to the protein. At this time, additional studies are neede d to fully assess the clinical significance of this variant.